The following is an entry in ClinVar:

NM_007186.6(CEP250):c.5083C>T (p.Arg1695Ter)

Gene: CEP250 (centrosomal protein 250; plus strand). Cytogenetic location: 20q11.22.
Variant type: single nucleotide variant.
Coding change: c.5083C>T on transcript NM_007186.6 (MANE Select); coding-DNA position 5083, C replaced by T.
Protein change: p.Arg1695Ter; replaces arginine 1695 with a stop codon.
Molecular consequence: nonsense.
Genome position (GRCh38, 1-based): chr20:35,503,452, C>T. VCF-style: chr20-35503452-C-T. GRCh37 (hg19) VCF-style: chr20-34091280-C-T.
Other names: c.3187C>T, p.Arg1063Ter (NM_001318219.1); c.5083C>T (NM_007186.4); short protein forms R1063*, R1695*.
Identifiers: ClinVar variation 3357492 (VCV003357492.6).
Genomic context (GRCh38, chr20:35,503,452, plus strand): 5'-ACCCGGCAGACCAAGATCCTGGAGGAGGACCTGGAACAGATCAAGCTGTCCTTGAGAGAG[C>T]GAGGCCGGGAGCTGACCACTCAGAGGCAGCTGATGCAGGAACGGGCAGAGGAAGGGAAGG-3'

ClinVar aggregate classification (germline): Pathogenic/Likely pathogenic. Review status: criteria provided, multiple submitters, no conflicts (2 of 4 stars). 4 submissions from 4 submitters: Pathogenic (2); Likely pathogenic (2). Last evaluated 2026-08-18.

Conditions:
CEP250-related disorder. Also called: CEP250-related condition.

gnomAD v4.1: 25 of 1,614,030 alleles (0.0015%); highest among the groups gnomAD compares: Non-Finnish European, 0.0021%; no homozygotes.

Submissions (4):

PreventionGenetics, part of Exact Sciences
Classification: Likely pathogenic for CEP250-related condition. Last evaluated: 2026-08-18. Review status: criteria provided, single submitter. Criteria: ACMG Guidelines, 2015. Collection method: clinical testing. Allele origin: germline.
Comment: The CEP250 c.5083C>T variant is predicted to result in premature protein termination (p.Arg1695*). To our knowledge, this variant has not been reported in the literature. This variant is reported in 0.0040% of alleles in individuals of African descent in gnomAD. Nonsense variants in CEP250 are expected to be pathogenic. This variant is interpreted as likely pathogenic.

GeneDx
Classification: Pathogenic. Last evaluated: 2025-12-16. Review status: criteria provided, single submitter. Criteria: GeneDx Variant Classification Process June 2021. Collection method: clinical testing. Allele origin: germline.
Comment: Nonsense variant predicted to result in protein truncation or nonsense mediated decay in a gene for which loss of function is a known mechanism of disease; Has not been previously published as pathogenic or benign to our knowledge; This variant is associated with the following publications: (PMID: 31964843)

Labcorp Genetics (formerly Invitae), Labcorp
Classification: Pathogenic. Last evaluated: 2024-05-01. Review status: criteria provided, single submitter. Criteria: Invitae Variant Classification Sherloc (09022015). Collection method: clinical testing. Allele origin: germline.
Comment: This sequence change creates a premature translational stop signal (p.Arg1695*) in the CEP250 gene. It is expected to result in an absent or disrupted protein product. Loss-of-function variants in CEP250 are known to be pathogenic (PMID: 24780881, 29718797). This variant is present in population databases (rs746831149, gnomAD 0.004%). This variant has not been reported in the literature in individuals affected with CEP250-related conditions. For these reasons, this variant has been classified as Pathogenic.

Blueprint Genetics
Classification: Likely pathogenic for CEP250-related disorders. Last evaluated: 2022-10-07. Review status: criteria provided, single submitter. Criteria: ACMG Guidelines, 2015. Collection method: clinical testing. Allele origin: germline. Affected: yes. Observed: 1 variant allele.

Literature cited by the submitters: PubMed 24780881 (cited by Labcorp Genetics (formerly Invitae), Labcorp); PubMed 29718797 (cited by Labcorp Genetics (formerly Invitae), Labcorp).